The following is an entry in ClinVar:

NM_001042492.3(NF1):c.4532T>C (p.Leu1511Pro)

Gene: NF1 (neurofibromin 1; plus strand). Cytogenetic location: 17q11.2.
Variant type: single nucleotide variant.
Coding change: c.4532T>C on transcript NM_001042492.3 (MANE Select); coding-DNA position 4532, T replaced by C.
Protein change: p.Leu1511Pro; replaces leucine 1511 with proline.
Molecular consequence: missense variant.
Genome position (GRCh38, 1-based): chr17:31,260,470, T>C. VCF-style: chr17-31260470-T-C. GRCh37 (hg19) VCF-style: chr17-29587488-T-C.
Other names: c.4469T>C, p.Leu1490Pro (NM_000267.4); short protein forms L1490P, L1511P.
Identifiers: ClinVar variation 1209570 (VCV001209570.13), dbSNP rs1135402864, ClinGen allele CA398999721.

ClinVar aggregate classification (germline): Pathogenic/Likely pathogenic. Review status: criteria provided, multiple submitters, no conflicts (2 of 4 stars). 4 submissions from 4 submitters: Pathogenic (2); Likely pathogenic (2). Last evaluated 2025-06-16.

Conditions:
Neurofibromatosis, type 1 (NF1). Also called: NEUROFIBROMATOSIS, TYPE I, SOMATIC; Neurofibromatosis, type I; VON RECKLINGHAUSEN DISEASE; Peripheral type neurofibromatosis. Identifiers: Orphanet 636, MedGen C0027831, MONDO:0018975, OMIM 162200. Disease mechanism: loss of function.
NF1-related disorder. Also called: NF1-related condition. Identifiers: MedGen CN379171.

Submissions (4):

Labcorp Genetics (formerly Invitae), Labcorp
Classification: Pathogenic for Neurofibromatosis, type 1. Last evaluated: 2025-06-16. Review status: criteria provided, single submitter. Criteria: Invitae Variant Classification Sherloc (09022015). Collection method: clinical testing. Allele origin: germline.
Comment: This sequence change replaces leucine, which is neutral and non-polar, with proline, which is neutral and non-polar, at codon 1490 of the NF1 protein (p.Leu1490Pro). This variant is not present in population databases (gnomAD no frequency). This missense change has been observed in individual(s) with clinical features of neurofibromatosis type 1 (PMID: 25541118, 26635368, 29914388, 31717729). In at least one individual the variant was observed to be de novo. ClinVar contains an entry for this variant (Variation ID: 1209570). Invitae Evidence Modeling of protein sequence and biophysical properties (such as structural, functional, and spatial information, amino acid conservation, physicochemical variation, residue mobility, and thermodynamic stability) indicates that this missense variant is expected to disrupt NF1 protein function with a positive predictive value of 95%. For these reasons, this variant has been classified as Pathogenic.

GeneDx
Classification: Likely pathogenic. Last evaluated: 2022-10-19. Review status: criteria provided, single submitter. Criteria: GeneDx Variant Classification Process June 2021. Collection method: clinical testing. Allele origin: germline. Affected: yes.
Comment: In silico analysis, which includes protein predictors and evolutionary conservation, supports a deleterious effect; Not observed at significant frequency in large population cohorts (gnomAD); This variant is associated with the following publications: (PMID: 23656349, 31717729, 32697994, 25541118, 22807134, 34694046, 29914388)

Genome-Nilou Lab
Classification: Likely pathogenic for Neurofibromatosis, type 1. Last evaluated: 2022-03-15. Review status: criteria provided, single submitter. Criteria: ACMG Guidelines, 2015. Collection method: clinical testing. Allele origin: germline. Affected: no.

Blueprint Genetics
Classification: Pathogenic for NF1-related disorders. Last evaluated: 2020-10-15. Review status: criteria provided, single submitter. Criteria: ACMG Guidelines, 2015. Collection method: clinical testing. Allele origin: germline. Affected: yes. Observed: 1 variant allele.

Literature cited by the submitters: PubMed 25541118 (cited by Labcorp Genetics (formerly Invitae), Labcorp); PubMed 26635368 (cited by Labcorp Genetics (formerly Invitae), Labcorp); PubMed 29914388 (cited by Labcorp Genetics (formerly Invitae), Labcorp); PubMed 31717729 (cited by Labcorp Genetics (formerly Invitae), Labcorp).